The following is an entry in ClinVar:

NM_007327.4(GRIN1):c.1622T>G (p.Leu541Arg)

Gene: GRIN1 (glutamate ionotropic receptor NMDA type subunit 1; plus strand). Cytogenetic location: 9q34.3.
Variant type: single nucleotide variant.
Coding change: c.1622T>G on transcript NM_007327.4 (MANE Select); coding-DNA position 1622, T replaced by G.
Protein change: p.Leu541Arg; replaces leucine 541 with arginine.
Molecular consequence: missense variant.
Genome position (GRCh38, 1-based): chr9:137,162,078, T>G. VCF-style: chr9-137162078-T-G. GRCh37 (hg19) VCF-style: chr9-140056530-T-G.
Other names: c.1622T>G, p.Leu541Arg (NM_021569.4, NM_000832.7); c.1685T>G, p.Leu562Arg (NM_001185090.2, NM_001185091.2); short protein forms L541R, L562R.
Identifiers: ClinVar variation 3720512 (VCV003720512.2).

ClinVar aggregate classification (germline): Uncertain significance (1 of 4 stars; one submission).

Conditions:
Neurodevelopmental disorder with or without hyperkinetic movements and seizures, autosomal dominant. Also called: Intellectual disability, autosomal dominant 8. Identifiers: MedGen C3280282, MONDO:0013655, OMIM 614254.

Submission:

Labcorp Genetics (formerly Invitae), Labcorp
Classification: Uncertain significance for Neurodevelopmental disorder with or without hyperkinetic movements and seizures, autosomal dominant. Last evaluated: 2024-12-07. Review status: criteria provided, single submitter. Criteria: Invitae Variant Classification Sherloc (09022015). Collection method: clinical testing. Allele origin: germline.
Comment: This sequence change replaces leucine, which is neutral and non-polar, with arginine, which is basic and polar, at codon 541 of the GRIN1 protein (p.Leu541Arg). This variant is not present in population databases (gnomAD no frequency). This variant has not been reported in the literature in individuals affected with GRIN1-related conditions. Invitae Evidence Modeling of protein sequence and biophysical properties (such as structural, functional, and spatial information, amino acid conservation, physicochemical variation, residue mobility, and thermodynamic stability) has been performed for this missense variant. However, the output from this modeling did not meet the statistical confidence thresholds required to predict the impact of this variant on GRIN1 protein function. In summary, the available evidence is currently insufficient to determine the role of this variant in disease. Therefore, it has been classified as a Variant of Uncertain Significance.